The following is an entry in ClinVar:

NM_004787.4(SLIT2):c.2700T>C (p.Thr900=)

Gene: SLIT2 (slit guidance ligand 2; plus strand). Cytogenetic location: 4p15.31.
Variant type: single nucleotide variant.
Coding change: c.2700T>C on transcript NM_004787.4 (MANE Select); coding-DNA position 2700, T replaced by C.
Protein change: p.Thr900=; no amino-acid change (threonine 900 retained).
Molecular consequence: synonymous variant.
Genome position (GRCh38, 1-based): chr4:20,553,943, T>C. VCF-style: chr4-20553943-T-C. GRCh37 (hg19) VCF-style: chr4-20555566-T-C.
Other names: c.2688T>C, p.Thr896= (NM_001289135.3); c.2676T>C, p.Thr892= (NM_001289136.3).
Identifiers: ClinVar variation 3035918 (VCV003035918.2), dbSNP rs1400406730, ClinGen allele CA438712192.

ClinVar aggregate classification (germline): Likely benign (0 of 4 stars; one submission).

Conditions:
SLIT2-related disorder. Also called: SLIT2-related condition.

Allele frequency attached by ClinVar (database versions not stated): gnomAD exomes below 0.00001; gnomAD 0.00001; TOPMed 0.00001.
gnomAD v4.1: 3 of 1,602,110 alleles (0.00019%); highest among the groups gnomAD compares: East Asian, 0.0067%; no homozygotes.

Submission:

PreventionGenetics, part of Exact Sciences
Classification: Likely benign for SLIT2-related condition. Last evaluated: 2020-05-29. Review status: no assertion criteria provided. Collection method: clinical testing. Allele origin: germline.
Comment: This variant is classified as likely benign based on ACMG/AMP sequence variant interpretation guidelines (Richards et al. 2015 PMID: 25741868, with internal and published modifications).